The following is an entry in ClinVar:

ClinVar aggregate classification (germline): Uncertain significance (1 of 4 stars; one submission).

Submission:

Labcorp Genetics (formerly Invitae), Labcorp
Classification: Uncertain significance. Last evaluated: 2023-01-01. Review status: criteria provided, single submitter. Criteria: Invitae Variant Classification Sherloc (09022015). Collection method: clinical testing. Allele origin: unknown.
Comment: In summary, the available evidence is currently insufficient to determine the role of this variant in disease. Therefore, it has been classified as a Variant of Uncertain Significance. This variant has not been reported in the literature in individuals affected with DNA2-related conditions. This variant is a gross deletion of the genomic region encompassing exon(s) 7 of the DNA2 gene. This deletion is out-of-frame, and is expected to create a premature translational stop signal and result in an absent or disrupted protein product. However, the current clinical and genetic evidence is not sufficient to establish whether loss-of-function variants in DNA2 cause disease.

NC_000010.10:g.(?_70206033)_(70206190_?)del

Gene: DNA2 (DNA replication helicase/nuclease 2; minus strand). Cytogenetic location: 10q21.3.
Variant type: Deletion.
Identifiers: ClinVar variation 3244955 (VCV003244955.1).